The following is an entry in ClinVar:

ClinVar aggregate classification (germline): Uncertain significance. Review status: criteria provided, multiple submitters, no conflicts (2 of 4 stars). 2 submissions from 2 submitters: Uncertain significance (2). Last evaluated 2025-01-22.

Conditions:
Inborn genetic diseases. Identifiers: MedGen C0950123, MeSH D030342.

gnomAD v4.1: 4 of 1,614,120 alleles (0.00025%); highest among the groups gnomAD compares: Middle Eastern, 0.016%; no homozygotes.

Submissions (2):

Ambry Genetics
Classification: Uncertain significance for Inborn genetic diseases. Last evaluated: 2025-01-22. Review status: criteria provided, single submitter. Criteria: Ambry Variant Classification Scheme 2023. Collection method: clinical testing. Allele origin: germline.

Labcorp Genetics (formerly Invitae), Labcorp
Classification: Uncertain significance. Last evaluated: 2022-03-10. Review status: criteria provided, single submitter. Criteria: Invitae Variant Classification Sherloc (09022015). Collection method: clinical testing. Allele origin: germline.
Comment: In summary, the available evidence is currently insufficient to determine the role of this variant in disease. Therefore, it has been classified as a Variant of Uncertain Significance. Algorithms developed to predict the effect of missense changes on protein structure and function (SIFT, PolyPhen-2, Align-GVGD) all suggest that this variant is likely to be tolerated. This variant has not been reported in the literature in individuals affected with NCSTN-related conditions. This variant is not present in population databases (gnomAD no frequency). This sequence change replaces glycine, which is neutral and non-polar, with arginine, which is basic and polar, at codon 405 of the NCSTN protein (p.Gly405Arg).

NM_015331.3(NCSTN):c.1213G>C (p.Gly405Arg)

Gene: NCSTN (nicastrin; plus strand). Cytogenetic location: 1q23.2.
Variant type: single nucleotide variant.
Coding change: c.1213G>C on transcript NM_015331.3 (MANE Select); coding-DNA position 1213, G replaced by C.
Protein change: p.Gly405Arg; replaces glycine 405 with arginine.
Molecular consequence: missense variant.
Genome position (GRCh38, 1-based): chr1:160,354,151, G>C. VCF-style: chr1-160354151-G-C. GRCh37 (hg19) VCF-style: chr1-160323941-G-C.
Other names: c.1213G>C (NM_015331.2); c.1153G>C, p.Gly385Arg (NM_001290184.2); c.799G>C, p.Gly267Arg (NM_001290186.2); c.1213G>C, p.Gly405Arg (NM_001349729.2); short protein forms G385R, G405R, G267R.
Identifiers: ClinVar variation 1401287 (VCV001401287.10), dbSNP rs201799492, ClinGen allele CA31539833.